The following is an entry in ClinVar:

NM_206933.4(USH2A):c.7774C>G (p.Pro2592Ala)

Gene: USH2A (usherin; minus strand). Cytogenetic location: 1q41.
Variant type: single nucleotide variant.
Coding change: c.7774C>G on transcript NM_206933.4 (MANE Select); coding-DNA position 7774, C replaced by G.
Protein change: p.Pro2592Ala; replaces proline 2592 with alanine.
Molecular consequence: missense variant.
Genome position (GRCh38, 1-based): chr1:215,888,875, G>C on the plus strand (C>G on the coding strand, the complement: USH2A is on the minus strand). VCF-style: chr1-215888875-G-C. GRCh37 (hg19) VCF-style: chr1-216062217-G-C.
Other names: short protein forms P2592A.
Identifiers: ClinVar variation 1019708 (VCV001019708.8), dbSNP rs1665138203, ClinGen allele CA344840123.

ClinVar aggregate classification (germline): Uncertain significance (1 of 4 stars; one submission).

Submission:

Labcorp Genetics (formerly Invitae), Labcorp
Classification: Uncertain significance. Last evaluated: 2020-05-20. Review status: criteria provided, single submitter. Criteria: Invitae Variant Classification Sherloc (09022015). Collection method: clinical testing. Allele origin: germline.
Comment: In summary, the available evidence is currently insufficient to determine the role of this variant in disease. Therefore, it has been classified as a Variant of Uncertain Significance. Algorithms developed to predict the effect of missense changes on protein structure and function (SIFT, PolyPhen-2, Align-GVGD) all suggest that this variant is likely to be disruptive, but these predictions have not been confirmed by published functional studies and their clinical significance is uncertain. This variant has not been reported in the literature in individuals with USH2A-related conditions. This variant is not present in population databases (ExAC no frequency). This sequence change replaces proline with alanine at codon 2592 of the USH2A protein (p.Pro2592Ala). The proline residue is highly conserved and there is a small physicochemical difference between proline and alanine.